The following is an entry in ClinVar:

ClinVar aggregate classification (germline): Conflicting classifications of pathogenicity. Review status: criteria provided, conflicting classifications (1 of 4 stars). 5 submissions from 5 submitters: Uncertain significance (1); Benign (1); Likely benign (3). Last evaluated 2025-10-16.

Conditions:
Familial cancer of breast. Also called: hereditary breast carcinoma; BREAST CANCER, FAMILIAL; Hereditary breast cancer. Identifiers: Orphanet 227535, MedGen C0346153, MONDO:0016419, OMIM 114480. Disease mechanism: loss of function.
Fanconi anemia complementation group J. Also called: BRIP1-Related Fanconi Anemia. Identifiers: Orphanet 84, MedGen C1836860, MONDO:0012187, OMIM 609054.
Hereditary cancer-predisposing syndrome. Also called: Tumor predisposition; Hereditary neoplastic syndrome; Neoplastic Syndromes, Hereditary; Hereditary Cancer Syndrome. Identifiers: Orphanet 140162, MedGen C0027672, MeSH D009386, MONDO:0015356.

Allele frequency attached by ClinVar (database versions not stated): gnomAD exomes below 0.00001; ExAC 0.00002.
gnomAD v4.1: 2 of 1,613,936 alleles (0.00012%); highest among the groups gnomAD compares: Non-Finnish European, 0.00017%; no homozygotes.

Submissions (5):

Ambry Genetics
Classification: Likely benign for Hereditary cancer-predisposing syndrome. Last evaluated: 2025-10-16. Review status: criteria provided, single submitter. Criteria: Ambry Variant Classification Scheme 2023. Collection method: clinical testing. Allele origin: germline.

Center for Genomic Medicine, Rigshospitalet, Copenhagen University Hospital
Classification: Likely benign. Last evaluated: 2025-03-04. Review status: criteria provided, single submitter. Criteria: ACMG Guidelines, 2015. Collection method: clinical testing. Allele origin: germline.

Myriad Genetics, Inc.
Classification: Benign for Familial cancer of breast. Last evaluated: 2024-08-21. Review status: criteria provided, single submitter. Criteria: Myriad Autosomal Dominant, Autosomal Recessive and X-Linked Classification Criteria (2023). Collection method: clinical testing. Allele origin: unknown.
Comment: This variant is considered benign. This variant is a silent/synonymous amino acid change and it is not expected to impact splicing.

Quest Diagnostics Nichols Institute San Juan Capistrano
Classification: Uncertain significance. Last evaluated: 2024-01-18. Review status: criteria provided, single submitter. Criteria: Quest Diagnostics criteria. Collection method: clinical testing. Allele origin: unknown.
Comment: The BRIP1 c.621A>G (p.Pro207=) synonymous variant has not been reported in individuals with BRIP1-related conditions in the published literature. The frequency of this variant in the general population, 0.000008 (2/251318 chromosomes (Genome Aggregation Database)), is uninformative in the assessment of its pathogenicity. Analysis of this variant using software algorithms for the prediction of the effect of nucleotide changes on splicing yielded predictions that this variant does not affect BRIP1 mRNA splicing. Based on the available information, we are unable to determine the clinical significance of this variant.

Labcorp Genetics (formerly Invitae), Labcorp
Classification: Likely benign for Familial cancer of breast; Fanconi anemia complementation group J. Last evaluated: 2023-06-04. Review status: criteria provided, single submitter. Criteria: Invitae Variant Classification Sherloc (09022015). Collection method: clinical testing. Allele origin: germline.

NM_032043.3(BRIP1):c.621A>G (p.Pro207=)

Gene: BRIP1 (BRCA1 interacting DNA helicase 1; minus strand). Cytogenetic location: 17q23.2.
Variant type: single nucleotide variant.
Coding change: c.621A>G on transcript NM_032043.3 (MANE Select); coding-DNA position 621, A replaced by G.
Protein change: p.Pro207=; no amino-acid change (proline 207 retained).
Molecular consequence: synonymous variant.
Genome position (GRCh38, 1-based): chr17:61,847,107, T>C on the plus strand (A>G on the coding strand, the complement: BRIP1 is on the minus strand). VCF-style: chr17-61847107-T-C. GRCh37 (hg19) VCF-style: chr17-59924468-T-C.
Identifiers: ClinVar variation 2692019 (VCV002692019.8), dbSNP rs771891225, ClinGen allele CA8690898.